The following is an entry in ClinVar:

NM_001031725.6(DDX59):c.386T>G (p.Leu129Trp)

Gene: DDX59 (DEAD-box helicase 59; minus strand). Cytogenetic location: 1q32.1.
Variant type: single nucleotide variant.
Coding change: c.386T>G on transcript NM_001031725.6 (MANE Select); coding-DNA position 386, T replaced by G.
Protein change: p.Leu129Trp; replaces leucine 129 with tryptophan.
Molecular consequence: missense variant.
Genome position (GRCh38, 1-based): chr1:200,666,355, A>C on the plus strand (T>G on the coding strand, the complement: DDX59 is on the minus strand). VCF-style: chr1-200666355-A-C. GRCh37 (hg19) VCF-style: chr1-200635483-A-C.
Other names: c.386T>G, p.Leu129Trp (NM_001320181.2, NM_001320182.1, NM_001349799.3 and 5 more transcripts); c.386T>G (NM_001031725.4); short protein forms L129W.
Identifiers: ClinVar variation 1678257 (VCV001678257.3), dbSNP rs114787000, ClinGen allele CA1318492.
Genomic context (GRCh38, chr1:200,666,355, plus strand): 5'-CTGAGTTTTGATTTCTCTTCCTTTTCCTTAACTTGTAGAAGATGTTTCGCTTTACACTCC[A>C]AACTACACACATCTTCATCTGTCTTATCACAGATATACTCTCCATAACGACCACAGACAA-3'
Protein context (NP_001026895.2, residues 119-139): CDKTDEDVCS[Leu129Trp]ECKAKHLLQV

ClinVar aggregate classification (germline): Conflicting classifications of pathogenicity. Review status: criteria provided, conflicting classifications (1 of 4 stars). 3 submissions from 3 submitters: Uncertain significance (2); Likely benign (1). Last evaluated 2025-11-08.

Conditions:
Inborn genetic diseases. Identifiers: MedGen C0950123, MeSH D030342.

Allele frequency attached by ClinVar (database versions not stated): gnomAD exomes 0.00005 and 0.00015; ExAC 0.00014; TOPMed 0.00060; 1000 Genomes Project 0.00020; gnomAD 0.00044 and 0.00039; 1000 Genomes Project 30x 0.00031; ESP Exome Variant Server 0.00046.
gnomAD v4.1: 136 of 1,614,166 alleles (0.0084%); highest among the groups gnomAD compares: African/African-American, 0.15%; no homozygotes.

Submissions (3):

Ambry Genetics
Classification: Likely benign for Inborn genetic diseases. Last evaluated: 2025-11-08. Review status: criteria provided, single submitter. Criteria: Ambry Variant Classification Scheme 2023. Collection method: clinical testing. Allele origin: germline.

GeneDx
Classification: Uncertain significance. Last evaluated: 2023-12-12. Review status: criteria provided, single submitter. Criteria: GeneDx Variant Classification Process June 2021. Collection method: clinical testing. Allele origin: germline. Affected: yes.
Comment: In silico analysis supports that this missense variant has a deleterious effect on protein structure/function; Has not been previously published as pathogenic or benign to our knowledge

AiLife Diagnostics
Classification: Uncertain significance. Last evaluated: 2020-07-08. Review status: criteria provided, single submitter. Criteria: ACMG Guidelines, 2015. Collection method: clinical testing. Allele origin: germline. Affected: yes. Observed: 1 variant allele.